The following is an entry in ClinVar:

ClinVar aggregate classification (germline): Likely benign (0 of 4 stars; one submission).

Conditions:
MC3R-related disorder. Also called: MC3R-related condition.

gnomAD v4.1: 3 of 1,614,088 alleles (0.00019%); highest among the groups gnomAD compares: African/African-American, 0.0013%; no homozygotes.

Submission:

PreventionGenetics, part of Exact Sciences
Classification: Likely benign for MC3R-related condition. Last evaluated: 2024-09-04. Review status: no assertion criteria provided. Collection method: clinical testing. Allele origin: germline.
Comment: This variant is classified as likely benign based on ACMG/AMP sequence variant interpretation guidelines (Richards et al. 2015 PMID: 25741868, with internal and published modifications).

NM_019888.3(MC3R):c.642G>A (p.Ala214=)

Gene: MC3R (melanocortin 3 receptor; plus strand). Cytogenetic location: 20q13.2.
Variant type: single nucleotide variant.
Coding change: c.642G>A on transcript NM_019888.3 (MANE Select); coding-DNA position 642, G replaced by A.
Protein change: p.Ala214=; no amino-acid change (alanine 214 retained).
Molecular consequence: synonymous variant.
Genome position (GRCh38, 1-based): chr20:56,249,485, G>A. VCF-style: chr20-56249485-G-A. GRCh37 (hg19) VCF-style: chr20-54824541-G-A.
Identifiers: ClinVar variation 3346605 (VCV003346605.1).